The following is an entry in ClinVar:

ClinVar aggregate classification (germline): Pathogenic (1 of 4 stars; one submission).

Conditions:
RASopathy. Also called: Noonan spectrum disorder; rasopathies. Identifiers: Orphanet 536391, MedGen C5555857, MONDO:0021060.

Submission:

Labcorp Genetics (formerly Invitae), Labcorp
Classification: Pathogenic for RASopathy. Last evaluated: 2022-08-18. Review status: criteria provided, single submitter. Criteria: Invitae Variant Classification Sherloc (09022015). Collection method: clinical testing. Allele origin: germline.
Comment: A copy number gain of the genomic region encompassing the full coding sequence of the SOS1 gene has been identified. The boundaries of this event are unknown as they extend beyond the assayed region for this gene and therefore may encompass additional genes. As the precise location of this event is unknown, it may be in tandem or it may be located elsewhere in the genome. A similar copy number variant has been observed in individual(s) with clinical features of Noonan syndrome (Invitae). In at least one individual the variant was observed to be de novo. For these reasons, this variant has been classified as Pathogenic.

NC_000002.11:g.(?_37334416)_(39347563_?)dup

Genes: ARHGEF33 (Rho guanine nucleotide exchange factor 33; plus strand), ATL2 (atlastin GTPase 2; minus strand), CDC42EP3 (CDC42 effector protein 3; minus strand), CEBPZ (CCAAT enhancer binding protein zeta; minus strand), CYP1B1 (cytochrome P450 family 1 subfamily B member 1; minus strand) and 14 more. Cytogenetic location: 2p22.2-22.1.
Variant type: Duplication.
Identifiers: ClinVar variation 2425393 (VCV002425393.3).